The following is an entry in ClinVar:

ClinVar aggregate classification (germline): Uncertain significance (1 of 4 stars; one submission).

Conditions:
Intellectual disability, autosomal recessive 53 (NEDHSCA). Also called: GLYCOSYLPHOSPHATIDYLINOSITOL BIOSYNTHESIS DEFECT 13; Mental retardation, autosomal recessive 53; NEURODEVELOPMENTAL DISORDER WITH OR WITHOUT HYPOTONIA, SEIZURES, AND CEREBELLAR ATROPHY. Identifiers: Orphanet 488635, MedGen C4310794, MONDO:0014832, OMIM 616917.

gnomAD v4.1: 10 of 1,614,142 alleles (0.00062%); highest among the groups gnomAD compares: Non-Finnish European, 0.00068%; no homozygotes.

Submission:

Labcorp Genetics (formerly Invitae), Labcorp
Classification: Uncertain significance for Intellectual disability, autosomal recessive 53. Last evaluated: 2021-08-28. Review status: criteria provided, single submitter. Criteria: Invitae Variant Classification Sherloc (09022015). Collection method: clinical testing. Allele origin: germline.
Comment: This sequence change replaces asparagine with threonine at codon 859 of the PIGG protein (p.Asn859Thr). The asparagine residue is moderately conserved and there is a small physicochemical difference between asparagine and threonine. This variant is present in population databases (rs745840866, ExAC 0.006%). This variant has not been reported in the literature in individuals affected with PIGG-related conditions. Algorithms developed to predict the effect of missense changes on protein structure and function are either unavailable or do not agree on the potential impact of this missense change (SIFT: "Deleterious"; PolyPhen-2: "Probably Damaging"; Align-GVGD: "Class C0"). In summary, the available evidence is currently insufficient to determine the role of this variant in disease. Therefore, it has been classified as a Variant of Uncertain Significance.

NM_001127178.3(PIGG):c.2576A>C (p.Asn859Thr)

Gene: PIGG (phosphatidylinositol glycan anchor biosynthesis class G (EMM blood group); plus strand). Cytogenetic location: 4p16.3.
Variant type: single nucleotide variant.
Coding change: c.2576A>C on transcript NM_001127178.3 (MANE Select); coding-DNA position 2576, A replaced by C.
Protein change: p.Asn859Thr; replaces asparagine 859 with threonine.
Molecular consequence: missense variant. On other transcripts: non-coding transcript variant (10).
Genome position (GRCh38, 1-based): chr4:533,822, A>C. VCF-style: chr4-533822-A-C. GRCh37 (hg19) VCF-style: chr4-527611-A-C.
Other names: c.2309A>C, p.Asn770Thr (NM_001289051.2, NM_001345986.2); c.2177A>C, p.Asn726Thr (NM_001289052.2); c.2285A>C, p.Asn762Thr (NM_001345987.2); c.1547A>C, p.Asn516Thr (NM_001345988.2); c.1043A>C, p.Asn348Thr (NM_001345990.2, NM_001345991.2); c.1478A>C, p.Asn493Thr (NM_001345994.2); c.2552A>C, p.Asn851Thr (NM_017733.5); short protein forms N348T, N493T, N726T, N516T, N770T, N859T, N762T, N851T.
Identifiers: ClinVar variation 1462310 (VCV001462310.5), dbSNP rs745840866, ClinGen allele CA2793682.